The following is an entry in ClinVar:

ClinVar aggregate classification (germline): Conflicting classifications of pathogenicity. Review status: criteria provided, conflicting classifications (1 of 4 stars). 2 submissions from 2 submitters: Uncertain significance (1); Likely benign (1). Last evaluated 2026-09-04.

Conditions:
Brachyolmia-amelogenesis imperfecta syndrome. Also called: Tooth agenesis, selective, 6; Dental anomalies and short stature; PLATYSPONDYLY WITH AMELOGENESIS IMPERFECTA. Identifiers: Orphanet 2899, MedGen C1832594, MONDO:0011018, OMIM 601216. Disease mechanism: loss of function.
Inborn genetic diseases. Identifiers: MedGen C0950123, MeSH D030342.

gnomAD v4.1: 6 of 1,614,116 alleles (0.00037%); highest among the groups gnomAD compares: Non-Finnish European, 0.00042%; no homozygotes.

Submissions (2):

Ambry Genetics
Classification: Likely benign for Inborn genetic diseases. Last evaluated: 2026-09-04. Review status: criteria provided, single submitter. Criteria: Ambry Variant Classification Scheme 2023. Collection method: clinical testing. Allele origin: germline.

Labcorp Genetics (formerly Invitae), Labcorp
Classification: Uncertain significance for Brachyolmia-amelogenesis imperfecta syndrome. Last evaluated: 2023-06-20. Review status: criteria provided, single submitter. Criteria: Invitae Variant Classification Sherloc (09022015). Collection method: clinical testing. Allele origin: germline.
Comment: This variant has not been reported in the literature in individuals affected with LTBP3-related conditions. This variant is present in population databases (rs777391367, gnomAD 0.004%). This sequence change affects codon 858 of the LTBP3 mRNA. It is a 'silent' change, meaning that it does not change the encoded amino acid sequence of the LTBP3 protein. Algorithms developed to predict the effect of sequence changes on RNA splicing suggest that this variant may disrupt the consensus splice site. In summary, the available evidence is currently insufficient to determine the role of this variant in disease. Therefore, it has been classified as a Variant of Uncertain Significance.

NM_001130144.3(LTBP3):c.2574G>A (p.Leu858=)

Gene: LTBP3 (latent transforming growth factor beta binding protein 3; minus strand). Cytogenetic location: 11q13.1.
Variant type: single nucleotide variant.
Coding change: c.2574G>A on transcript NM_001130144.3 (MANE Select); coding-DNA position 2574, G replaced by A.
Protein change: p.Leu858=; no amino-acid change (leucine 858 retained).
Molecular consequence: synonymous variant.
Genome position (GRCh38, 1-based): chr11:65,543,127, C>T on the plus strand (G>A on the coding strand, the complement: LTBP3 is on the minus strand). VCF-style: chr11-65543127-C-T. GRCh37 (hg19) VCF-style: chr11-65310598-C-T.
Other names: c.2574G>A (NM_001130144.2); c.2223G>A, p.Leu741= (NM_001164266.1); c.2574G>A, p.Leu858= (NM_021070.4).
Identifiers: ClinVar variation 2709706 (VCV002709706.4), dbSNP rs777391367, ClinGen allele CA6100565.
Genomic context (GRCh38, chr11:65,543,127, plus strand): 5'-GCCACATCCCTCAGGAACCCTCAGCCAGTCCCCCATACCTTGGCATTTCCTGCCACCCAC[C>T]AGCCGATGCCCCTGGGGGCAAAGACATCTGTAGGAGCCATTGGTATTGATGCAGTCACCC-3'
Protein context (NP_001123616.1, residues 848-868): YRCLCPQGHR[Leu858=]VGGRKCQDID